The following is an entry in ClinVar:

NM_001366521.1(ATP2B1):c.1339_1342del (p.Val447fs)

Gene: ATP2B1 (ATPase plasma membrane Ca2+ transporting 1; minus strand). Cytogenetic location: 12q21.33.
Variant type: Deletion.
Coding change: c.1339_1342del on transcript NM_001366521.1 (MANE Select); coding-DNA positions 1339 to 1342, 4 bases deleted (GTCA; older notation c.1339_1342delGTCA).
Protein change: p.Val447fs; shifts the reading frame from valine 447.
Molecular consequence: frameshift variant. On other transcripts: non-coding transcript variant (3).
Genome position (GRCh38, 1-based): chr12:89,624,185-89,624,188, TGAC deleted on the plus strand (GTCA on the coding strand, the reverse complement: ATP2B1 is on the minus strand); deleting any 4 consecutive bases within chr12:89,624,185-89,624,191 gives the same sequence; the c. name uses the placement nearest the transcript's 3' end. VCF-style (leftmost placement, unchanged base first): chr12-89624184-TTGAC-T. GRCh37 (hg19) VCF-style: chr12-90017961-TTGAC-T.
Other names: c.1339_1342del, p.Val447fs (NM_001366523.1, NM_001366524.1, NM_001366525.1 and 13 more transcripts); c.1141_1144del, p.Val381fs (NM_001366530.1, NM_001413053.1); c.778_781del, p.Val260fs (NM_001366531.1, NM_001366532.1, NM_001413058.1 and 2 more transcripts); c.1300_1303del, p.Val434fs (NM_001413048.1); c.1198_1201del, p.Val400fs (NM_001413051.1, NM_001413052.1, NM_001413055.1); c.1084_1087del, p.Val362fs (NM_001413056.1); c.886_889del, p.Val296fs (NM_001413057.1); short protein forms V260fs, V296fs, V362fs, V381fs, V400fs, V434fs, V447fs.
Identifiers: ClinVar variation 4082342 (VCV004082342.1).
Genomic context (GRCh38, chr12:89,624,184, plus strand): 5'-TTTCTATACCAGCTAAGGCTTTAAACATAACAACGTCTACTGAACTATTTTCTACTTACT[TTGAC>T]TGAATAAGCCAGTGAGATCGTGACTGCAAGTGGAAGACCTTCTGGCACTGCGACCACTAA-3'

ClinVar aggregate classification (germline): Pathogenic (1 of 4 stars; one submission).

Conditions:
Intellectual developmental disorder, autosomal dominant 66. Also called: MENTAL RETARDATION, AUTOSOMAL DOMINANT 66. Identifiers: MedGen C5677000, MONDO:0030891, OMIM 619910.

Submission:

Institute of Human Genetics, University of Leipzig Medical Center
Classification: Pathogenic for Intellectual developmental disorder, autosomal dominant 66. Last evaluated: 2025-07-09. Review status: criteria provided, single submitter. Criteria: ACMG Guidelines, 2015. Collection method: clinical testing. Allele origin: unknown. Inheritance: Autosomal dominant inheritance. Affected: yes.
Comment: Criteria applied: PVS1,PM2